The following is an entry in ClinVar:

ClinVar aggregate classification (germline): Uncertain significance (1 of 4 stars; one submission).

Conditions:
Paragangliomas with sensorineural hearing loss. Identifiers: MedGen C1868633.
Carney-Stratakis syndrome. Also called: PARAGANGLIOMA AND GASTROINTESTINAL STROMAL TUMOR. Identifiers: Orphanet 97286, MedGen C1847319, MONDO:0011740, OMIM 606864.
Cowden syndrome 3 (CWS3). Identifiers: Orphanet 201, MedGen CN166604, MONDO:0014045.
Pheochromocytoma. Also called: MAX-Related Hereditary Paraganglioma-Pheochromocytoma Syndrome. Identifiers: Orphanet 29072, MedGen C0031511, MONDO:0008233, OMIM 171300, HP:0002666.

Submission:

Labcorp Genetics (formerly Invitae), Labcorp
Classification: Uncertain significance for Carney-Stratakis syndrome; Paragangliomas with sensorineural hearing loss; Pheochromocytoma; Cowden syndrome 3. Last evaluated: 2021-05-28. Review status: criteria provided, single submitter. Criteria: Invitae Variant Classification Sherloc (09022015). Collection method: clinical testing. Allele origin: germline.
Comment: This sequence change replaces valine with leucine at codon 3 of the SDHD protein (p.Val3Leu). The valine residue is weakly conserved and there is a small physicochemical difference between valine and leucine. This variant is not present in population databases (ExAC no frequency). This variant has not been reported in the literature in individuals with SDHD-related conditions. Advanced modeling of protein sequence and biophysical properties (such as structural, functional, and spatial information, amino acid conservation, physicochemical variation, residue mobility, and thermodynamic stability) performed at Invitae indicates that this missense variant is not expected to disrupt SDHD protein function. In summary, the available evidence is currently insufficient to determine the role of this variant in disease. Therefore, it has been classified as a Variant of Uncertain Significance.

NM_003002.4(SDHD):c.7G>C (p.Val3Leu)

Genes: SDHD (succinate dehydrogenase complex subunit D; plus strand), LOC126861339 (BRD4-independent group 4 enhancer GRCh37_chr11:111957035-111958234; plus strand). Cytogenetic location: 11q23.1.
Variant type: single nucleotide variant.
Coding change: c.7G>C on transcript NM_003002.4 (MANE Select); coding-DNA position 7, G replaced by C.
Protein change: p.Val3Leu; replaces valine 3 with leucine.
Molecular consequence: missense variant. On other transcripts: non-coding transcript variant (1).
Genome position (GRCh38, 1-based): chr11:112,086,914, G>C. VCF-style: chr11-112086914-G-C. GRCh37 (hg19) VCF-style: chr11-111957638-G-C.
Other names: c.7G>C, p.Val3Leu (NM_001276503.2, NM_001276504.2, NM_001276506.2); short protein forms V3L.
Identifiers: ClinVar variation 1424194 (VCV001424194.8), dbSNP rs1555186656, ClinGen allele CA382616620.